The following is an entry in ClinVar:

ClinVar aggregate classification (germline): Likely benign (1 of 4 stars; one submission).

Allele frequency attached by ClinVar (database versions not stated): gnomAD 0.00007; 1000 Genomes Project 0.00200.
gnomAD v4.1: 59 of 1,610,860 alleles (0.0037%); highest among the groups gnomAD compares: Middle Eastern, 0.017%; no homozygotes.

Submission:

CeGaT Center for Human Genetics Tuebingen
Classification: Likely benign. Last evaluated: 2024-01-01. Review status: criteria provided, single submitter. Criteria: CeGaT Center For Human Genetics Tuebingen Variant Classification Criteria Version 2. Collection method: clinical testing. Allele origin: germline. Affected: yes. Observed: 2 variant alleles.
Comment: FLG: BP4, BP7, BS2

NM_002016.2(FLG):c.7647G>A (p.Val2549=)

Genes: CCDST (cervical cancer associated DHX9 suppressive transcript; plus strand), FLG (filaggrin; minus strand). Cytogenetic location: 1q21.3.
Variant type: single nucleotide variant.
Coding change: c.7647G>A on transcript NM_002016.2 (MANE Select); coding-DNA position 7647, G replaced by A.
Protein change: p.Val2549=; no amino-acid change (valine 2549 retained).
Molecular consequence: synonymous variant.
Genome position (GRCh38, 1-based): chr1:152,307,239, C>T on the plus strand (G>A on the coding strand, the complement: FLG is on the minus strand). VCF-style: chr1-152307239-C-T. GRCh37 (hg19) VCF-style: chr1-152279715-C-T.
Identifiers: ClinVar variation 2639262 (VCV002639262.24), dbSNP rs572678186, ClinGen allele CA1104609.